The following is an entry in ClinVar:

NM_001197104.2(KMT2A):c.8387G>T (p.Gly2796Val)

Gene: KMT2A (lysine methyltransferase 2A; plus strand). Cytogenetic location: 11q23.3.
Variant type: single nucleotide variant.
Coding change: c.8387G>T on transcript NM_001197104.2 (MANE Select); coding-DNA position 8387, G replaced by T.
Protein change: p.Gly2796Val; replaces glycine 2796 with valine.
Molecular consequence: missense variant.
Genome position (GRCh38, 1-based): chr11:118,504,279, G>T. VCF-style: chr11-118504279-G-T. GRCh37 (hg19) VCF-style: chr11-118374994-G-T.
Other names: c.8477G>T, p.Gly2826Val (NM_001412597.1); c.8378G>T, p.Gly2793Val (NM_005933.4); short protein forms G2793V, G2796V, G2826V.
Identifiers: ClinVar variation 2642430 (VCV002642430.25), dbSNP rs1186580008, ClinGen allele CA382813354.

ClinVar aggregate classification (germline): Uncertain significance. Review status: criteria provided, multiple submitters, no conflicts (2 of 4 stars). 2 submissions from 2 submitters: Uncertain significance (2). Last evaluated 2025-08-14.

Allele frequency attached by ClinVar (database versions not stated): gnomAD 0.00001.
gnomAD v4.1: 7 of 1,613,960 alleles (0.00043%); highest among the groups gnomAD compares: Non-Finnish European, 0.00034%; no homozygotes.

Submissions (2):

Labcorp Genetics (formerly Invitae), Labcorp
Classification: Uncertain significance. Last evaluated: 2025-08-14. Review status: criteria provided, single submitter. Criteria: Invitae Variant Classification Sherloc (09022015). Collection method: clinical testing. Allele origin: germline.
Comment: This sequence change replaces glycine, which is neutral and non-polar, with valine, which is neutral and non-polar, at codon 2796 of the KMT2A protein (p.Gly2796Val). This variant is not present in population databases (gnomAD no frequency). This variant has not been reported in the literature in individuals affected with KMT2A-related conditions. ClinVar contains an entry for this variant (Variation ID: 2642430). Invitae Evidence Modeling of protein sequence and biophysical properties (such as structural, functional, and spatial information, amino acid conservation, physicochemical variation, residue mobility, and thermodynamic stability) indicates that this missense variant is not expected to disrupt KMT2A protein function with a negative predictive value of 95%. In summary, the available evidence is currently insufficient to determine the role of this variant in disease. Therefore, it has been classified as a Variant of Uncertain Significance.

CeGaT Center for Human Genetics Tuebingen
Classification: Uncertain significance. Last evaluated: 2024-04-01. Review status: criteria provided, single submitter. Criteria: CeGaT Center For Human Genetics Tuebingen Variant Classification Criteria Version 2. Collection method: clinical testing. Allele origin: germline. Affected: yes. Observed: 1 variant allele.
Comment: KMT2A: PM2